The following is an entry in ClinVar:

NM_006662.3(SRCAP):c.3073C>G (p.Arg1025Gly)

Gene: SRCAP (Snf2 related CREBBP activator protein; plus strand). Cytogenetic location: 16p11.2.
Variant type: single nucleotide variant.
Coding change: c.3073C>G on transcript NM_006662.3 (MANE Select); coding-DNA position 3073, C replaced by G.
Protein change: p.Arg1025Gly; replaces arginine 1025 with glycine.
Molecular consequence: missense variant.
Genome position (GRCh38, 1-based): chr16:30,720,798, C>G. VCF-style: chr16-30720798-C-G. GRCh37 (hg19) VCF-style: chr16-30732119-C-G.
Other names: short protein forms R1025G.
Identifiers: ClinVar variation 4281960 (VCV004281960.1).

ClinVar aggregate classification (germline): Uncertain significance (1 of 4 stars; one submission).

gnomAD v4.1: 1 of 1,614,094 alleles (0.000062%); highest among the groups gnomAD compares: East Asian, 0.0022%; no homozygotes.

Submission:

GeneDx
Classification: Uncertain significance. Last evaluated: 2025-04-16. Review status: criteria provided, single submitter. Criteria: GeneDx Variant Classification Process June 2021. Collection method: clinical testing. Allele origin: germline. Affected: yes.
Comment: Not observed at significant frequency in large population cohorts (gnomAD); In silico analysis supports that this missense variant has a deleterious effect on protein structure/function; Has not been previously published as pathogenic or benign to our knowledge